The following is an entry in ClinVar:

NM_005869.4(CWC27):c.543G>T (p.Arg181Ser)

Gene: CWC27 (CWC27 spliceosome associated cyclophilin; plus strand). Cytogenetic location: 5q12.3.
Variant type: single nucleotide variant.
Coding change: c.543G>T on transcript NM_005869.4 (MANE Select); coding-DNA position 543, G replaced by T.
Protein change: p.Arg181Ser; replaces arginine 181 with serine.
Molecular consequence: missense variant.
Genome position (GRCh38, 1-based): chr5:64,786,571, G>T. VCF-style: chr5-64786571-G-T. GRCh37 (hg19) VCF-style: chr5-64082398-G-T.
Other names: c.543G>T, p.Arg181Ser (NM_001297644.1, NM_001297645.2, NM_001318000.2 and 1 more transcripts); short protein forms R181S.
Identifiers: ClinVar variation 2705427 (VCV002705427.3), dbSNP rs758974228, ClinGen allele CA359846645.

ClinVar aggregate classification (germline): Uncertain significance (1 of 4 stars; one submission).

Submission:

Labcorp Genetics (formerly Invitae), Labcorp
Classification: Uncertain significance. Last evaluated: 2023-12-25. Review status: criteria provided, single submitter. Criteria: Invitae Variant Classification Sherloc (09022015). Collection method: clinical testing. Allele origin: germline.
Comment: This sequence change replaces arginine, which is basic and polar, with serine, which is neutral and polar, at codon 181 of the CWC27 protein (p.Arg181Ser). This variant is not present in population databases (gnomAD no frequency). This variant has not been reported in the literature in individuals affected with CWC27-related conditions. An algorithm developed to predict the effect of missense changes on protein structure and function (PolyPhen-2) suggests that this variant is likely to be tolerated. In summary, the available evidence is currently insufficient to determine the role of this variant in disease. Therefore, it has been classified as a Variant of Uncertain Significance.